The following is an entry in ClinVar:

NM_005912.3(MC4R):c.154G>A (p.Val52Met)

Gene: MC4R (melanocortin 4 receptor; minus strand). Cytogenetic location: 18q21.32.
Variant type: single nucleotide variant.
Coding change: c.154G>A on transcript NM_005912.3 (MANE Select); coding-DNA position 154, G replaced by A.
Protein change: p.Val52Met; replaces valine 52 with methionine.
Molecular consequence: missense variant.
Genome position (GRCh38, 1-based): chr18:60,372,196, C>T on the plus strand (G>A on the coding strand, the complement: MC4R is on the minus strand). VCF-style: chr18-60372196-C-T. GRCh37 (hg19) VCF-style: chr18-58039429-C-T.
Other names: short protein forms V52M.
Identifiers: ClinVar variation 4764233 (VCV004764233.1).

ClinVar aggregate classification (germline): Uncertain significance (1 of 4 stars; one submission).

Submission:

Labcorp Genetics (formerly Invitae), Labcorp
Classification: Uncertain significance. Last evaluated: 2025-08-30. Review status: criteria provided, single submitter. Criteria: Invitae Variant Classification Sherloc (09022015). Collection method: clinical testing. Allele origin: germline.
Comment: This sequence change replaces valine, which is neutral and non-polar, with methionine, which is neutral and non-polar, at codon 52 of the MC4R protein (p.Val52Met). This variant is not present in population databases (gnomAD no frequency). This variant has not been reported in the literature in individuals affected with MC4R-related conditions. Invitae Evidence Modeling of protein sequence and biophysical properties (such as structural, functional, and spatial information, amino acid conservation, physicochemical variation, residue mobility, and thermodynamic stability) indicates that this missense variant is not expected to disrupt MC4R protein function with a negative predictive value of 80%. In summary, the available evidence is currently insufficient to determine the role of this variant in disease. Therefore, it has been classified as a Variant of Uncertain Significance.